The following is an entry in ClinVar:

NM_006947.4(SRP72):c.88G>A (p.Ala30Thr)

Gene: SRP72 (signal recognition particle 72; plus strand). Cytogenetic location: 4q12.
Variant type: single nucleotide variant.
Coding change: c.88G>A on transcript NM_006947.4 (MANE Select); coding-DNA position 88, G replaced by A.
Protein change: p.Ala30Thr; replaces alanine 30 with threonine.
Molecular consequence: missense variant. On other transcripts: non-coding transcript variant (1).
Genome position (GRCh38, 1-based): chr4:56,467,723, G>A. VCF-style: chr4-56467723-G-A. GRCh37 (hg19) VCF-style: chr4-57333889-G-A.
Other names: c.88G>A, p.Ala30Thr (NM_001267722.2); short protein forms A30T.
Identifiers: ClinVar variation 3449394 (VCV003449394.1).

ClinVar aggregate classification (germline): Uncertain significance (1 of 4 stars; one submission).

gnomAD v4.1: 1 of 1,551,570 alleles (0.000064%); highest among the groups gnomAD compares: Non-Finnish European, 0.000087%; no homozygotes.

Submission:

Ambry Genetics
Classification: Uncertain significance. Last evaluated: 2024-11-18. Review status: criteria provided, single submitter. Criteria: Ambry Variant Classification Scheme 2023. Collection method: clinical testing. Allele origin: germline.
Comment: The p.A30T variant (also known as c.88G>A), located in coding exon 1 of the SRP72 gene, results from a G to A substitution at nucleotide position 88. The alanine at codon 30 is replaced by threonine, an amino acid with similar properties. This amino acid position is conserved. In addition, this alteration is predicted to be deleterious by in silico analysis. Based on the available evidence, the clinical significance of this variant remains unclear.